The following is an entry in ClinVar:

ClinVar aggregate classification (germline): Uncertain significance. Review status: criteria provided, multiple submitters, no conflicts (2 of 4 stars). 3 submissions from 3 submitters: Uncertain significance (3). Last evaluated 2023-05-17.

Conditions:
Inborn genetic diseases. Identifiers: MedGen C0950123, MeSH D030342.
Muscle AMP deaminase deficiency (MMDD). Also called: Myoadenylate deaminase deficiency, myopathy due to; Adenosine monophosphate deaminase 1 deficiency; AMP deaminase 1 deficiency; Adenosine Monophosphate Deaminase 1; ADENOSINE MONOPHOSPHATE DEAMINASE-1 DEFICIENCY, MYOPATHY DUE TO; AMPD1 DEFICIENCY. Identifiers: Orphanet 45, MedGen C3714933, MONDO:0014220, OMIM 615511.

Allele frequency attached by ClinVar (database versions not stated): ExAC 0.00007; ESP Exome Variant Server 0.00008; gnomAD 0.00011; TOPMed 0.00012; 1000 Genomes Project 30x 0.00016; 1000 Genomes Project 0.00020.
gnomAD v4.1: 52 of 1,613,846 alleles (0.0032%); highest among the groups gnomAD compares: African/African-American, 0.028%; no homozygotes.

Submissions (3):

Ambry Genetics
Classification: Uncertain significance for Inborn genetic diseases. Last evaluated: 2023-05-17. Review status: criteria provided, single submitter. Criteria: Ambry Variant Classification Scheme 2023. Collection method: clinical testing. Allele origin: germline.

Labcorp Genetics (formerly Invitae), Labcorp
Classification: Uncertain significance for Muscle AMP deaminase deficiency. Last evaluated: 2022-06-28. Review status: criteria provided, single submitter. Criteria: Invitae Variant Classification Sherloc (09022015). Collection method: clinical testing. Allele origin: germline.
Comment: This sequence change replaces arginine, which is basic and polar, with cysteine, which is neutral and slightly polar, at codon 399 of the AMPD1 protein (p.Arg399Cys). This variant is present in population databases (rs143583425, gnomAD 0.02%). This variant has not been reported in the literature in individuals affected with AMPD1-related conditions. Algorithms developed to predict the effect of missense changes on protein structure and function (SIFT, PolyPhen-2, Align-GVGD) all suggest that this variant is likely to be disruptive. In summary, the available evidence is currently insufficient to determine the role of this variant in disease. Therefore, it has been classified as a Variant of Uncertain Significance.

Revvity Omics, Revvity
Classification: Uncertain significance for Muscle AMP deaminase deficiency. Last evaluated: 2019-06-13. Review status: criteria provided, single submitter. Criteria: ACMG Guidelines, 2015. Collection method: clinical testing. Allele origin: germline.

NM_000036.3(AMPD1):c.1096C>T (p.Arg366Cys)

Gene: AMPD1 (adenosine monophosphate deaminase 1; minus strand). Cytogenetic location: 1p13.2.
Variant type: single nucleotide variant.
Coding change: c.1096C>T on transcript NM_000036.3 (MANE Select); coding-DNA position 1096, C replaced by T.
Protein change: p.Arg366Cys; replaces arginine 366 with cysteine.
Molecular consequence: missense variant.
Genome position (GRCh38, 1-based): chr1:114,678,038, G>A on the plus strand (C>T on the coding strand, the complement: AMPD1 is on the minus strand). VCF-style: chr1-114678038-G-A. GRCh37 (hg19) VCF-style: chr1-115220659-G-A.
Other names: c.1084C>T, p.Arg362Cys (NM_001172626.2); c.1195C>T (NM_000036.2); short protein forms R366C, R362C.
Identifiers: ClinVar variation 2073140 (VCV002073140.6), dbSNP rs143583425, ClinGen allele CA1020213.